The following is an entry in ClinVar:

ClinVar aggregate classification (germline): Conflicting classifications of pathogenicity. Review status: criteria provided, conflicting classifications (1 of 4 stars). 8 submissions from 8 submitters: Uncertain significance (1); Benign (1); Likely benign (5). 1 of the submissions does not count toward it. Last evaluated 2025-12-10.

Conditions:
OTOG-related disorder. Also called: OTOG-related condition.
Meniere disease. Also called: Ménière's disease. Identifiers: MedGen C0025281, MONDO:0007972, OMIM 156000.

Allele frequency attached by ClinVar (database versions not stated): 1000 Genomes Project 30x 0.00109; 1000 Genomes Project 0.00120; ExAC 0.00198; gnomAD exomes 0.00242 and 0.00353; TOPMed 0.00297.
gnomAD v4.1: 5,405 of 1,550,594 alleles (0.35%); highest among the groups gnomAD compares: Middle Eastern, 0.68%; 17 homozygotes.

Submissions (8):

Labcorp Genetics (formerly Invitae), Labcorp
Classification: Likely benign. Last evaluated: 2025-12-10. Review status: criteria provided, single submitter. Criteria: Invitae Variant Classification Sherloc (09022015). Collection method: clinical testing. Allele origin: germline.

CeGaT Center for Human Genetics Tuebingen
Classification: Likely benign. Last evaluated: 2025-12-01. Review status: criteria provided, single submitter. Criteria: CeGaT Center For Human Genetics Tuebingen Variant Classification Criteria Version 2. Collection method: clinical testing. Allele origin: germline. Affected: yes. Observed: 8 variant alleles.
Comment: OTOG: BP4, BS2

Mayo Clinic Laboratories, Mayo Clinic
Classification: Likely benign. Last evaluated: 2025-09-11. Review status: criteria provided, single submitter. Criteria: ACMG Guidelines, 2015. Collection method: clinical testing. Allele origin: germline. Observed: 1 variant allele.
Comment: BS1, BP4

Blueprint Genetics
Classification: Likely benign. Last evaluated: 2024-11-20. Review status: criteria provided, single submitter. Criteria: ACMG Guidelines, 2015. Collection method: clinical testing. Allele origin: germline.

GeneDx
Classification: Likely benign. Last evaluated: 2021-07-14. Review status: criteria provided, single submitter. Criteria: GeneDx Variant Classification Process June 2021. Collection method: clinical testing. Allele origin: germline. Affected: yes.

Otology & Neurotology- Genomics of vestibular disorders (CTS-495), Jose Antonio López Escámez, Centro Pfizer - Universidad de Granada - Junta de Andalucía de Genómica e Investigación Oncológica (GENYO)
Classification: Uncertain significance for Meniere disease. Last evaluated: 2020-01-01. Review status: criteria provided, single submitter. Criteria: ACMG Guidelines, 2015. Collection method: case-control. Allele origin: germline. Affected: yes. Observed: 1 variant allele, 1 heterozygote.

Laboratory for Molecular Medicine, Mass General Brigham Personalized Medicine
Classification: Benign. Last evaluated: 2015-08-24. Review status: criteria provided, single submitter. Criteria: LMM Criteria. Collection method: clinical testing. Allele origin: germline. Observed: 2 variant alleles.
Comment: p.Arg1353Gln in exon 32 of OTOG: This variant is not expected to have clinical s ignificance because it has been identified in 0.56% (29/5214) of European chromo somes by the Exome Aggregation Consortium (ExAC; dbSNP rs145689709).

PreventionGenetics, part of Exact Sciences
Classification: Likely benign for OTOG-related condition. Last evaluated: 2020-08-18. Review status: no assertion criteria provided. Collection method: clinical testing. Allele origin: germline. Not counted in ClinVar's aggregate classification.
Comment: This variant is classified as likely benign based on ACMG/AMP sequence variant interpretation guidelines (Richards et al. 2015 PMID: 25741868, with internal and published modifications).

Literature cited by the submitters: PubMed 33136635 (cited by Mayo Clinic Laboratories, Mayo Clinic); PubMed 33260921 (cited by Mayo Clinic Laboratories, Mayo Clinic); PubMed 37865853 (cited by Mayo Clinic Laboratories, Mayo Clinic); PubMed 38519595 (cited by Mayo Clinic Laboratories, Mayo Clinic).

NM_001292063.2(OTOG):c.4022G>A (p.Arg1341Gln)

Gene: OTOG (otogelin; plus strand). Cytogenetic location: 11p15.1.
Variant type: single nucleotide variant.
Coding change: c.4022G>A on transcript NM_001292063.2 (MANE Select); coding-DNA position 4022, G replaced by A.
Protein change: p.Arg1341Gln; replaces arginine 1341 with glutamine.
Molecular consequence: missense variant.
Genome position (GRCh38, 1-based): chr11:17,606,001, G>A. VCF-style: chr11-17606001-G-A. GRCh37 (hg19) VCF-style: chr11-17627548-G-A.
Other names: c.4058G>A, p.Arg1353Gln (NM_001277269.2); c.[4058G>A] (NM_001277269.2); short protein forms R1353Q, R1341Q.
Identifiers: ClinVar variation 226891 (VCV000226891.45), dbSNP rs145689709, ClinGen allele CA5905798.
Genomic context (GRCh38, chr11:17,606,001, plus strand): 5'-AGTGGCAGGGCCGTGACACCTTCCAACAGCATGCCTCCTTCTTGCTGCACCGGGGGACAC[G>A]GCAGGCAGGCCTGGTGGCCCTGGAGTCCCTGGCCAAGCCCAGCTCCTTCCTCTATGTGTC-3'
Protein context (NP_001278992.1, residues 1331-1351): HASFLLHRGT[Arg1341Gln]QAGLVALESL